The following is an entry in ClinVar:

ClinVar aggregate classification (germline): Likely benign. Review status: criteria provided, single submitter (1 of 4 stars). 2 submissions from 2 submitters: Likely benign (1). 1 of the submissions does not count toward it. Last evaluated 2018-05-02.

Conditions:
GNAS-related disorder. Identifiers: MedGen CN380105.

Allele frequency attached by ClinVar (database versions not stated): gnomAD 0.00001; gnomAD exomes 0.00001 and below 0.00001; TOPMed 0.00002.
gnomAD v4.1: 7 of 1,613,928 alleles (0.00043%); highest among the groups gnomAD compares: South Asian, 0.0033%; no homozygotes.

Submissions (2):

Labcorp Genetics (formerly Invitae), Labcorp
Classification: Likely benign. Last evaluated: 2018-05-02. Review status: criteria provided, single submitter. Criteria: Invitae Variant Classification Sherloc (09022015). Collection method: clinical testing. Allele origin: germline.

PreventionGenetics, part of Exact Sciences
Classification: Likely benign for GNAS-related condition. Last evaluated: 2020-02-24. Review status: no assertion criteria provided. Collection method: clinical testing. Allele origin: germline. Not counted in ClinVar's aggregate classification.
Comment: This variant is classified as likely benign based on ACMG/AMP sequence variant interpretation guidelines (Richards et al. 2015 PMID: 25741868, with internal and published modifications).

NM_000516.7(GNAS):c.1173C>T (p.Tyr391=)

Gene: GNAS (GNAS complex locus; plus strand). Cytogenetic location: 20q13.32.
Variant type: single nucleotide variant.
Coding change: c.1173C>T on transcript NM_000516.7 (MANE Select); coding-DNA position 1173, C replaced by T.
Protein change: p.Tyr391=; no amino-acid change (tyrosine 391 retained).
Molecular consequence: synonymous variant. On other transcripts: 3 prime UTR variant (2).
Genome position (GRCh38, 1-based): chr20:58,910,817, C>T. VCF-style: chr20-58910817-C-T. GRCh37 (hg19) VCF-style: chr20-57485872-C-T.
Other names: c.1176C>T, p.Tyr392= (NM_001077488.5); c.1128C>T, p.Tyr376= (NM_001077489.4); c.*1034C>T (NM_001077490.3); c.996C>T, p.Tyr332= (NM_001309840.2, NM_001309861.2); c.*1079C>T (NM_016592.5); c.3102C>T, p.Tyr1034= (NM_080425.4); c.1131C>T, p.Tyr377= (NM_080426.4).
Identifiers: ClinVar variation 743938 (VCV000743938.5), dbSNP rs1254063262, ClinGen allele CA511088391.